The following is an entry in ClinVar:

NC_000013.11:g.32363204_32363205delinsTA

Gene: BRCA2 (BRCA2 DNA repair associated; plus strand). Cytogenetic location: 13q13.1.
Variant type: Indel.
Genome position: GRCh38 VCF-style: chr13-32363204-AG-TA. GRCh37 (hg19) VCF-style: chr13-32937341-AG-TA.
Other names: c.8002_8003delinsTA, p.Arg2668Ter (LRG_293t1).
Identifiers: ClinVar variation 431340 (VCV000431340.1), dbSNP rs1135401922, ClinGen allele CA645372929.
Genomic context (GRCh38, chr13:32,363,204, plus strand): 5'-CTTCCTAAAATATGCATTTTTGTTTTCACTTTTAGATATGATACGGAAATTGATAGAAGC[AG>TA]AAGATCGGCTATAAAAAAGATAATGGAAAGGGATGACACAGCTGCAAAAACACTTGTTCT-3'

ClinVar aggregate classification (germline): Pathogenic. Review status: reviewed by expert panel (3 of 4 stars). 2 submissions from 2 submitters: Pathogenic (1). 1 of the submissions does not count toward it. Last evaluated 2017-12-15.

Conditions:
Breast-ovarian cancer, familial, susceptibility to, 2 (BROVCA2). Also called: BRCA2 Hereditary Breast and Ovarian Cancer. Identifiers: Orphanet 145, MedGen C2675520, MONDO:0012933, OMIM 612555. Disease mechanism: loss of function.
Hereditary breast ovarian cancer syndrome. Also called: BRCA1- and BRCA2-Associated Hereditary Breast and Ovarian Cancer; Hereditary breast and/or ovarian cancer syndrome; Hereditary breast and ovarian cancer; Hereditary breast and ovarian cancer syndrome; Hereditary breast and ovarian cancer syndrome (HBOC); Breast and ovarian cancer. Identifiers: Orphanet 145, MedGen C0677776, MeSH D061325, MONDO:0003582. Disease mechanism: loss of function.

Submissions (2):

Evidence-based Network for the Interpretation of Germline Mutant Alleles (ENIGMA)
Classification: Pathogenic for Breast-ovarian cancer, familial, susceptibility to, 2. Last evaluated: 2017-12-15. Review status: reviewed by expert panel. Criteria: ENIGMA BRCA1/2 Classification Criteria (2017-06-29). Collection method: curation. Allele origin: germline. Study: ENIGMA.
Comment: Variant allele predicted to encode a truncated non-functional protein.

Research Molecular Genetics Laboratory, Women's College Hospital, University of Toronto
Classification: Pathogenic for Hereditary breast ovarian cancer syndrome. Last evaluated: 2014-01-31. Review status: no assertion criteria provided. Collection method: research. Allele origin: germline. Affected: yes. Study: The Canadian Open Genetics Repository (COGR). Not counted in ClinVar's aggregate classification.